The following is an entry in ClinVar:

NM_001370298.3(FGD4):c.2666C>T (p.Ala889Val)

Gene: FGD4 (FYVE, RhoGEF and PH domain containing 4; plus strand). Cytogenetic location: 12p11.21.
Variant type: single nucleotide variant.
Coding change: c.2666C>T on transcript NM_001370298.3 (MANE Select); coding-DNA position 2666, C replaced by T.
Protein change: p.Ala889Val; replaces alanine 889 with valine.
Molecular consequence: missense variant. On other transcripts: intron variant (3).
Genome position (GRCh38, 1-based): chr12:32,640,487, C>T. VCF-style: chr12-32640487-C-T. GRCh37 (hg19) VCF-style: chr12-32793421-C-T.
Other names: c.2510C>T, p.Ala837Val (NM_001304481.2); c.1223C>T, p.Ala408Val (NM_001304484.2); c.1976C>T, p.Ala659Val (NM_001330373.2, NM_001330374.2, NM_001384130.1); c.1703C>T, p.Ala568Val (NM_001370297.1); c.2255C>T, p.Ala752Val (NM_001385118.1, NM_139241.3); c.2632+34C>T (NM_001384126.1); c.2221+34C>T (NM_001384127.1, NM_001384128.1); short protein forms A568V, A752V, A837V, A408V, A889V, A659V.
Identifiers: ClinVar variation 1474129 (VCV001474129.6), dbSNP rs2137094596, ClinGen allele CA384372858.
Genomic context (GRCh38, chr12:32,640,487, plus strand): 5'-TGAAAGTCATCCTTTTAGCTGTCACAGGTGAGACACCAGGTGGTCCAAATGAGCATCCAG[C>T]CACCTTGGATGATCATCCTGAACCTAAGAAAAAATCAGAATGCTGAACTCCTCCAGGACC-3'
Protein context (NP_001357227.2, residues 879-899): ETPGGPNEHP[Ala889Val]TLDDHPEPKK

ClinVar aggregate classification (germline): Uncertain significance (1 of 4 stars; one submission).

Conditions:
Charcot-Marie-Tooth disease type 4. Also called: Charcot-Marie-Tooth disease, type IV; Charcot-Marie-Tooth, Type 4. Identifiers: Orphanet 64749, MedGen C4082197, MONDO:0018995.

Allele frequency attached by ClinVar (database versions not stated): gnomAD exomes below 0.00001.
gnomAD v4.1: 2 of 1,614,126 alleles (0.00012%); highest among the groups gnomAD compares: Non-Finnish European, 0.00017%; no homozygotes.

Submission:

Labcorp Genetics (formerly Invitae), Labcorp
Classification: Uncertain significance for Charcot-Marie-Tooth disease type 4. Last evaluated: 2025-07-28. Review status: criteria provided, single submitter. Criteria: Invitae Variant Classification Sherloc (09022015). Collection method: clinical testing. Allele origin: germline.
Comment: This sequence change replaces alanine, which is neutral and non-polar, with valine, which is neutral and non-polar, at codon 752 of the FGD4 protein (p.Ala752Val). This variant is not present in population databases (gnomAD no frequency). This variant has not been reported in the literature in individuals affected with FGD4-related conditions. ClinVar contains an entry for this variant (Variation ID: 1474129). An algorithm developed to predict the effect of missense changes on protein structure and function outputs the following: PolyPhen-2: "Benign". The valine amino acid residue is found in multiple mammalian species, which suggests that this missense change does not adversely affect protein function. In summary, the available evidence is currently insufficient to determine the role of this variant in disease. Therefore, it has been classified as a Variant of Uncertain Significance.